The following is an entry in ClinVar:

NM_018089.3(ANKZF1):c.889C>T (p.Arg297Cys)

Gene: ANKZF1 (ankyrin repeat and zinc finger peptidyl tRNA hydrolase 1; plus strand). Cytogenetic location: 2q35.
Variant type: single nucleotide variant.
Coding change: c.889C>T on transcript NM_018089.3 (MANE Select); coding-DNA position 889, C replaced by T.
Protein change: p.Arg297Cys; replaces arginine 297 with cysteine.
Molecular consequence: missense variant.
Genome position (GRCh38, 1-based): chr2:219,233,784, C>T. VCF-style: chr2-219233784-C-T. GRCh37 (hg19) VCF-style: chr2-220098506-C-T.
Other names: c.889C>T, p.Arg297Cys (NM_001042410.2); c.259C>T, p.Arg87Cys (NM_001282792.2); c.889C>T (NM_018089.2); short protein forms R297C, R87C.
Identifiers: ClinVar variation 1169354 (VCV001169354.11), dbSNP rs57075420, ClinGen allele CA2120901.

ClinVar aggregate classification (germline): Benign. Review status: criteria provided, single submitter (1 of 4 stars). 2 submissions from 2 submitters: Benign (1). 1 of the submissions does not count toward it. Last evaluated 2026-01-21.

Conditions:
ANKZF1-related disorder. Also called: ANKZF1-related condition.

Allele frequency attached by ClinVar (database versions not stated): ESP Exome Variant Server 0.00008; gnomAD 0.00045 and 0.00074; TOPMed 0.00101; gnomAD exomes 0.00128; ExAC 0.00137; 1000 Genomes Project 30x 0.00359; 1000 Genomes Project 0.00419.
gnomAD v4.1: 1,044 of 1,614,088 alleles (0.065%); highest among the groups gnomAD compares: East Asian, 1.9%; 7 homozygotes.

Submissions (2):

Labcorp Genetics (formerly Invitae), Labcorp
Classification: Benign. Last evaluated: 2026-01-21. Review status: criteria provided, single submitter. Criteria: Invitae Variant Classification Sherloc (09022015). Collection method: clinical testing. Allele origin: germline.

PreventionGenetics, part of Exact Sciences
Classification: Benign for ANKZF1-related condition. Last evaluated: 2019-03-28. Review status: no assertion criteria provided. Collection method: clinical testing. Allele origin: germline. Not counted in ClinVar's aggregate classification.
Comment: This variant is classified as benign based on ACMG/AMP sequence variant interpretation guidelines (Richards et al. 2015 PMID: 25741868, with internal and published modifications).